The following is an entry in ClinVar:

NM_001040108.2(MLH3):c.4154C>G (p.Ser1385Cys)

Gene: MLH3 (mutL homolog 3; minus strand). Cytogenetic location: 14q24.3.
Variant type: single nucleotide variant.
Coding change: c.4154C>G on transcript NM_001040108.2 (MANE Select); coding-DNA position 4154, C replaced by G.
Protein change: p.Ser1385Cys; replaces serine 1385 with cysteine.
Molecular consequence: missense variant.
Genome position (GRCh38, 1-based): chr14:75,018,917, G>C on the plus strand (C>G on the coding strand, the complement: MLH3 is on the minus strand). VCF-style: chr14-75018917-G-C. GRCh37 (hg19) VCF-style: chr14-75485620-G-C.
Other names: c.4082C>G, p.Ser1361Cys (NM_014381.3); short protein forms S1361C, S1385C.
Identifiers: ClinVar variation 3295084 (VCV003295084.1).

ClinVar aggregate classification (germline): Uncertain significance (1 of 4 stars; one submission).

Submission:

Ambry Genetics
Classification: Uncertain significance. Last evaluated: 2024-06-20. Review status: criteria provided, single submitter. Criteria: Ambry Variant Classification Scheme 2023. Collection method: clinical testing. Allele origin: germline.
Comment: The p.S1385C variant (also known as c.4154C>G), located in coding exon 11 of the MLH3 gene, results from a C to G substitution at nucleotide position 4154. The serine at codon 1385 is replaced by cysteine, an amino acid with dissimilar properties. This amino acid position is conserved. In addition, this alteration is predicted to be deleterious by in silico analysis. Based on the available evidence, the clinical significance of this variant remains unclear.